The following is an entry in ClinVar:

NM_014956.5(CEP164):c.1155A>G (p.Glu385=)

Gene: CEP164 (centrosomal protein 164; plus strand). Cytogenetic location: 11q23.3.
Variant type: single nucleotide variant.
Coding change: c.1155A>G on transcript NM_014956.5 (MANE Select); coding-DNA position 1155, A replaced by G.
Protein change: p.Glu385=; no amino-acid change (glutamic acid 385 retained).
Molecular consequence: synonymous variant.
Genome position (GRCh38, 1-based): chr11:117,373,753, A>G. VCF-style: chr11-117373753-A-G. GRCh37 (hg19) VCF-style: chr11-117244469-A-G.
Other names: c.1155A>G, p.Glu385= (NM_001271933.2); c.1155A>G (NM_014956.4).
Identifiers: ClinVar variation 1533057 (VCV001533057.9), dbSNP rs1318886330, ClinGen allele CA476897969.

ClinVar aggregate classification (germline): Likely benign. Review status: criteria provided, multiple submitters, no conflicts (2 of 4 stars). 2 submissions from 2 submitters: Likely benign (2). Last evaluated 2026-04-08.

Conditions:
Nephronophthisis 15 (NPHP15). Identifiers: Orphanet 3156, MedGen C3541853, MONDO:0013917, OMIM 614845.
CEP164-related disorder. Also called: CEP164-related condition.

Allele frequency attached by ClinVar (database versions not stated): gnomAD exomes below 0.00001; TOPMed 0.00001.
gnomAD v4.1: 1 of 1,613,800 alleles (0.000062%); no homozygotes.

Submissions (2):

PreventionGenetics, part of Exact Sciences
Classification: Likely benign for CEP164-related condition. Last evaluated: 2026-04-08. Review status: criteria provided, single submitter. Criteria: ACMG Guidelines, 2015. Collection method: clinical testing. Allele origin: germline.
Comment: This variant is classified as likely benign based on ACMG/AMP sequence variant interpretation guidelines (Richards et al. 2015 PMID: 25741868, with internal and published modifications).

Labcorp Genetics (formerly Invitae), Labcorp
Classification: Likely benign for Nephronophthisis 15. Last evaluated: 2022-06-21. Review status: criteria provided, single submitter. Criteria: Invitae Variant Classification Sherloc (09022015). Collection method: clinical testing. Allele origin: germline.